The following is an entry in ClinVar:

NM_178452.6(DNAAF1):c.604A>C (p.Met202Leu)

Gene: DNAAF1 (dynein axonemal assembly factor 1; plus strand). Cytogenetic location: 16q24.1.
Variant type: single nucleotide variant.
Coding change: c.604A>C on transcript NM_178452.6 (MANE Select); coding-DNA position 604, A replaced by C.
Protein change: p.Met202Leu; replaces methionine 202 with leucine.
Molecular consequence: missense variant.
Genome position (GRCh38, 1-based): chr16:84,155,612, A>C. VCF-style: chr16-84155612-A-C. GRCh37 (hg19) VCF-style: chr16-84189217-A-C.
Other names: short protein forms M202L.
Identifiers: ClinVar variation 3726441 (VCV003726441.2).

ClinVar aggregate classification (germline): Uncertain significance (1 of 4 stars; one submission).

Conditions:
Primary ciliary dyskinesia. Also called: Ciliary dyskinesia. Identifiers: Orphanet 244, MedGen C0008780, MONDO:0016575, HP:0012265.

Submission:

Labcorp Genetics (formerly Invitae), Labcorp
Classification: Uncertain significance for Primary ciliary dyskinesia. Last evaluated: 2024-11-30. Review status: criteria provided, single submitter. Criteria: Invitae Variant Classification Sherloc (09022015). Collection method: clinical testing. Allele origin: germline.
Comment: This sequence change replaces methionine, which is neutral and non-polar, with leucine, which is neutral and non-polar, at codon 202 of the DNAAF1 protein (p.Met202Leu). This variant is not present in population databases (gnomAD no frequency). This variant has not been reported in the literature in individuals affected with DNAAF1-related conditions. An algorithm developed to predict the effect of missense changes on protein structure and function (PolyPhen-2) suggests that this variant is likely to be tolerated. In summary, the available evidence is currently insufficient to determine the role of this variant in disease. Therefore, it has been classified as a Variant of Uncertain Significance.